The following is an entry in ClinVar:

ClinVar aggregate classification (germline): Uncertain significance (1 of 4 stars; one submission).

gnomAD v4.1: 8 of 1,614,228 alleles (0.0005%); highest among the groups gnomAD compares: Non-Finnish European, 0.00059%; no homozygotes.

Submission:

Labcorp Genetics (formerly Invitae), Labcorp
Classification: Uncertain significance. Last evaluated: 2025-03-17. Review status: criteria provided, single submitter. Criteria: Invitae Variant Classification Sherloc (09022015). Collection method: clinical testing. Allele origin: germline.
Comment: This sequence change replaces serine, which is neutral and polar, with leucine, which is neutral and non-polar, at codon 926 of the ALPK1 protein (p.Ser926Leu). This variant is not present in population databases (gnomAD no frequency). This variant has not been reported in the literature in individuals affected with ALPK1-related conditions. Invitae Evidence Modeling of protein sequence and biophysical properties (such as structural, functional, and spatial information, amino acid conservation, physicochemical variation, residue mobility, and thermodynamic stability) indicates that this missense variant is not expected to disrupt ALPK1 protein function with a negative predictive value of 80%. In summary, the available evidence is currently insufficient to determine the role of this variant in disease. Therefore, it has been classified as a Variant of Uncertain Significance.

NM_025144.4(ALPK1):c.2777C>T (p.Ser926Leu)

Gene: ALPK1 (alpha kinase 1; plus strand). Cytogenetic location: 4q25.
Variant type: single nucleotide variant.
Coding change: c.2777C>T on transcript NM_025144.4 (MANE Select); coding-DNA position 2777, C replaced by T.
Protein change: p.Ser926Leu; replaces serine 926 with leucine.
Molecular consequence: missense variant.
Genome position (GRCh38, 1-based): chr4:112,432,324, C>T. VCF-style: chr4-112432324-C-T. GRCh37 (hg19) VCF-style: chr4-113353480-C-T.
Other names: c.2777C>T, p.Ser926Leu (NM_001102406.2); c.2543C>T, p.Ser848Leu (NM_001253884.2); short protein forms S926L, S848L.
Identifiers: ClinVar variation 4694176 (VCV004694176.1).
Genomic context (GRCh38, chr4:112,432,324, plus strand): 5'-CTACCACAGAGGAAGGAAATCAGCCTGGAAACATGCTAAACTGCAGCCAGAACTCCAGCT[C>T]ATCCTCAGTGTGGTGGCTGAAATCACCTGCATTTTCCAGTGGTTCTTCTGAGGGGGACAG-3'
Protein context (NP_079420.3, residues 916-936): NMLNCSQNSS[Ser926Leu]SSVWWLKSPA